The following is an entry in ClinVar:

ClinVar aggregate classification (germline): Pathogenic. Review status: criteria provided, multiple submitters, no conflicts (2 of 4 stars). 3 submissions from 3 submitters: Pathogenic (3). Last evaluated 2024-06-21.

Conditions:
Hereditary cancer-predisposing syndrome. Also called: Neoplastic Syndromes, Hereditary; Tumor predisposition; Hereditary Cancer Syndrome; Hereditary neoplastic syndrome. Identifiers: Orphanet 140162, MedGen C0027672, MeSH D009386, MONDO:0015356.
Familial adenomatous polyposis 1 (FAP1). Also called: POLYPOSIS, ADENOMATOUS INTESTINAL; FAMILIAL ADENOMATOUS POLYPOSIS 1, ATTENUATED. Identifiers: MedGen C2713442, MONDO:0021056, OMIM 175100. Disease mechanism: loss of function.

Submissions (3):

Labcorp Genetics (formerly Invitae), Labcorp
Classification: Pathogenic for Familial adenomatous polyposis 1. Last evaluated: 2024-06-21. Review status: criteria provided, single submitter. Criteria: Invitae Variant Classification Sherloc (09022015). Collection method: clinical testing. Allele origin: germline.
Comment: This sequence change creates a premature translational stop signal (p.Lys993*) in the APC gene. While this is not anticipated to result in nonsense mediated decay, it is expected to disrupt the last 1851 amino acid(s) of the APC protein. This variant is not present in population databases (gnomAD no frequency). This premature translational stop signal has been observed in individual(s) with familial adenomatous polyposis (PMID: 20685668). ClinVar contains an entry for this variant (Variation ID: 1798332). A different truncation (p.Tyr2645Lysfs*14) that lies downstream of this variant has been determined to be pathogenic (PMID: 9824584, 1316610, 27081525, 8381579, 22135120, Invitae). This suggests that deletion of this region of the APC protein is causative of disease. This variant is expected to disrupt the EB1 and HDLG binding sites, which mediate interactions with the cytoskeleton (PMID: 15311282, 17293347). While functional studies have not been performed to directly test the effect on APC protein function, this suggests that disruption of the C-terminal portion of the protein is functionally important. For these reasons, this variant has been classified as Pathogenic.

Myriad Genetics, Inc.
Classification: Pathogenic for Familial adenomatous polyposis 1. Last evaluated: 2023-05-05. Review status: criteria provided, single submitter. Criteria: Myriad Autosomal Dominant, Autosomal Recessive and X-Linked Classification Criteria (2023). Collection method: clinical testing. Allele origin: unknown.
Comment: This variant is considered pathogenic. This variant creates a termination codon and is predicted to result in premature protein truncation.

Ambry Genetics
Classification: Pathogenic for Hereditary cancer-predisposing syndrome. Last evaluated: 2017-11-15. Review status: criteria provided, single submitter. Criteria: Ambry Variant Classification Scheme 2023. Collection method: clinical testing. Allele origin: germline.
Comment: The c.2976dupT pathogenic mutation, located in coding exon 15 of the APC gene, results from a duplication of T at nucleotide position 2976, causing a translational frameshift with a predicted alternate stop codon (p.K993*). This mutation was identified in 1/863 French patients with FAP. (Lagarde A et al. J. Med. Genet., 2010 Oct;47:721-2). This alteration is expected to result in loss of function by premature protein truncation or nonsense-mediated mRNA decay. As such, this alteration is interpreted as a disease-causing mutation.

Literature cited by the submitters: PubMed 20685668 (cited by Labcorp Genetics (formerly Invitae), Labcorp and Ambry Genetics); PubMed 9824584 (cited by Labcorp Genetics (formerly Invitae), Labcorp); PubMed 1316610 (cited by Labcorp Genetics (formerly Invitae), Labcorp); PubMed 27081525 (cited by Labcorp Genetics (formerly Invitae), Labcorp); PubMed 8381579 (cited by Labcorp Genetics (formerly Invitae), Labcorp); PubMed 22135120 (cited by Labcorp Genetics (formerly Invitae), Labcorp); PubMed 15311282 (cited by Labcorp Genetics (formerly Invitae), Labcorp); PubMed 17293347 (cited by Labcorp Genetics (formerly Invitae), Labcorp).

NM_000038.6(APC):c.2976dup (p.Lys993Ter)

Gene: APC (APC regulator of Wnt signaling pathway; plus strand). Cytogenetic location: 5q22.2.
Variant type: Duplication.
Coding change: c.2976dup on transcript NM_000038.6 (MANE Select); coding-DNA position 2976, one base duplicated (T; older notation c.2976dupT).
Protein change: p.Lys993Ter; replaces lysine 993 with a stop codon.
Molecular consequence: nonsense. On other transcripts: frameshift variant (20).
Genome position (GRCh38, 1-based): chr5:112,838,570, T duplicated. VCF-style (leftmost placement, unchanged base first): chr5-112838569-G-GT. GRCh37 (hg19) VCF-style: chr5-112174266-G-GT.
Other names: c.2976dup, p.Lys993Ter (NM_001127510.3, NM_001354895.2); c.2922dup, p.Lys975Ter (NM_001127511.3); c.3030dup, p.Lys1011Ter (NM_001354896.2); c.3006dup, p.Lys1003Ter (NM_001354897.2); c.2901dup, p.Lys968Ter (NM_001354898.2); c.2892dup, p.Lys965Ter (NM_001354899.2); c.2853dup, p.Lys952Ter (NM_001354900.2); c.2799dup, p.Lys934Ter (NM_001354901.2); and 16 more; short protein forms K1003*, K892*, K902*, K934*, K833*, K975*, K993*, K867*.
Identifiers: ClinVar variation 1798332 (VCV001798332.5), dbSNP rs2533462992, ClinGen allele CA645562877.